The following is an entry in ClinVar:

ClinVar aggregate classification (germline): Uncertain significance (1 of 4 stars; one submission).

Allele frequency attached by ClinVar (database versions not stated): gnomAD 0.00001; TOPMed 0.00002.
gnomAD v4.1: 6 of 1,613,476 alleles (0.00037%); highest among the groups gnomAD compares: Admixed American, 0.0033%; no homozygotes.

Submission:

Labcorp Genetics (formerly Invitae), Labcorp
Classification: Uncertain significance. Last evaluated: 2023-05-22. Review status: criteria provided, single submitter. Criteria: Invitae Variant Classification Sherloc (09022015). Collection method: clinical testing. Allele origin: germline.
Comment: In summary, the available evidence is currently insufficient to determine the role of this variant in disease. Therefore, it has been classified as a Variant of Uncertain Significance. An algorithm developed to predict the effect of missense changes on protein structure and function (PolyPhen-2) suggests that this variant is likely to be disruptive. ClinVar contains an entry for this variant (Variation ID: 1488349). This variant has not been reported in the literature in individuals affected with HSPG2-related conditions. This variant is present in population databases (rs767194703, gnomAD 0.003%). This sequence change replaces arginine, which is basic and polar, with cysteine, which is neutral and slightly polar, at codon 3018 of the HSPG2 protein (p.Arg3018Cys).

NM_005529.7(HSPG2):c.9052C>T (p.Arg3018Cys)

Gene: HSPG2 (heparan sulfate proteoglycan 2; minus strand). Cytogenetic location: 1p36.12.
Variant type: single nucleotide variant.
Coding change: c.9052C>T on transcript NM_005529.7 (MANE Select); coding-DNA position 9052, C replaced by T.
Protein change: p.Arg3018Cys; replaces arginine 3018 with cysteine.
Molecular consequence: missense variant.
Genome position (GRCh38, 1-based): chr1:21,842,239, G>A on the plus strand (C>T on the coding strand, the complement: HSPG2 is on the minus strand). VCF-style: chr1-21842239-G-A. GRCh37 (hg19) VCF-style: chr1-22168732-G-A.
Other names: c.9055C>T, p.Arg3019Cys (NM_001291860.2); short protein forms R3019C, R3018C.
Identifiers: ClinVar variation 1488349 (VCV001488349.6), dbSNP rs767194703, ClinGen allele CA670582.